The following is an entry in ClinVar:

NM_000245.4(MET):c.2842C>A (p.Leu948Ile)

Gene: MET (MET proto-oncogene, receptor tyrosine kinase; plus strand). Cytogenetic location: 7q31.2.
Variant type: single nucleotide variant.
Coding change: c.2842C>A on transcript NM_000245.4 (MANE Select); coding-DNA position 2842, C replaced by A.
Protein change: p.Leu948Ile; replaces leucine 948 with isoleucine.
Molecular consequence: missense variant.
Genome position (GRCh38, 1-based): chr7:116,771,609, C>A. VCF-style: chr7-116771609-C-A. GRCh37 (hg19) VCF-style: chr7-116411663-C-A.
Other names: c.2896C>A, p.Leu966Ile (NM_001127500.3); c.1552C>A, p.Leu518Ile (NM_001324402.2); short protein forms L518I, L948I, L966I.
Identifiers: ClinVar variation 1944143 (VCV001944143.5), dbSNP rs2116992741, ClinGen allele CA368986654.

ClinVar aggregate classification (germline): Uncertain significance (1 of 4 stars; one submission).

Conditions:
Renal cell carcinoma. Identifiers: Orphanet 217071, MedGen C0007134, MeSH D002292, MONDO:0005086, HP:0005584.

Submission:

Labcorp Genetics (formerly Invitae), Labcorp
Classification: Uncertain significance for Renal cell carcinoma. Last evaluated: 2023-09-11. Review status: criteria provided, single submitter. Criteria: Invitae Variant Classification Sherloc (09022015). Collection method: clinical testing. Allele origin: germline.
Comment: In summary, the available evidence is currently insufficient to determine the role of this variant in disease. Therefore, it has been classified as a Variant of Uncertain Significance. Advanced modeling of protein sequence and biophysical properties (such as structural, functional, and spatial information, amino acid conservation, physicochemical variation, residue mobility, and thermodynamic stability) performed at Invitae indicates that this missense variant is not expected to disrupt MET protein function. ClinVar contains an entry for this variant (Variation ID: 1944143). This variant has not been reported in the literature in individuals affected with MET-related conditions. This variant is not present in population databases (gnomAD no frequency). This sequence change replaces leucine, which is neutral and non-polar, with isoleucine, which is neutral and non-polar, at codon 966 of the MET protein (p.Leu966Ile).